The following is an entry in ClinVar:

ClinVar aggregate classification (germline): Uncertain significance (1 of 4 stars; one submission).

Conditions:
Werner syndrome (WRN). Identifiers: Orphanet 902, MedGen C0043119, MONDO:0010196, OMIM 277700.

Allele frequency attached by ClinVar (database versions not stated): gnomAD exomes below 0.00001; TOPMed below 0.00001.
gnomAD v4.1: 2 of 1,613,368 alleles (0.00012%); highest among the groups gnomAD compares: Non-Finnish European, 0.00017%; no homozygotes.

Submission:

Labcorp Genetics (formerly Invitae), Labcorp
Classification: Uncertain significance for Werner syndrome. Last evaluated: 2022-05-25. Review status: criteria provided, single submitter. Criteria: Invitae Variant Classification Sherloc (09022015). Collection method: clinical testing. Allele origin: germline.
Comment: Algorithms developed to predict the effect of missense changes on protein structure and function output the following: SIFT: "Not Available"; PolyPhen-2: "Benign"; Align-GVGD: "Not Available". The alanine amino acid residue is found in multiple mammalian species, which suggests that this missense change does not adversely affect protein function. This variant has not been reported in the literature in individuals affected with WRN-related conditions. In summary, the available evidence is currently insufficient to determine the role of this variant in disease. Therefore, it has been classified as a Variant of Uncertain Significance. This variant is not present in population databases (gnomAD no frequency). This sequence change replaces threonine, which is neutral and polar, with alanine, which is neutral and non-polar, at codon 422 of the WRN protein (p.Thr422Ala).

NM_000553.6(WRN):c.1264A>G (p.Thr422Ala)

Gene: WRN (WRN RecQ like helicase; plus strand). Cytogenetic location: 8p12.
Variant type: single nucleotide variant.
Coding change: c.1264A>G on transcript NM_000553.6 (MANE Select); coding-DNA position 1264, A replaced by G.
Protein change: p.Thr422Ala; replaces threonine 422 with alanine.
Molecular consequence: missense variant.
Genome position (GRCh38, 1-based): chr8:31,081,291, A>G. VCF-style: chr8-31081291-A-G. GRCh37 (hg19) VCF-style: chr8-30938807-A-G.
Other names: short protein forms T422A.
Identifiers: ClinVar variation 2180346 (VCV002180346.4), dbSNP rs770185829, ClinGen allele CA370921567.